The following is an entry in ClinVar:

ClinVar aggregate classification (germline): Uncertain significance. Review status: criteria provided, multiple submitters, no conflicts (2 of 4 stars). 3 submissions from 3 submitters: Uncertain significance (3). Last evaluated 2025-08-03.

Conditions:
Cardiovascular phenotype. Identifiers: MedGen CN230736.

Allele frequency attached by ClinVar (database versions not stated): gnomAD 0.00003; TOPMed 0.00003.
gnomAD v4.1: 10 of 1,554,914 alleles (0.00064%); highest among the groups gnomAD compares: African/African-American, 0.014%; no homozygotes.

Submissions (3):

Ambry Genetics
Classification: Uncertain significance for Cardiovascular phenotype. Last evaluated: 2025-08-03. Review status: criteria provided, single submitter. Criteria: Ambry Variant Classification Scheme 2023. Collection method: clinical testing. Allele origin: germline.

Labcorp Genetics (formerly Invitae), Labcorp
Classification: Uncertain significance. Last evaluated: 2025-08-03. Review status: criteria provided, single submitter. Criteria: Invitae Variant Classification Sherloc (09022015). Collection method: clinical testing. Allele origin: germline.
Comment: This sequence change replaces threonine, which is neutral and polar, with proline, which is neutral and non-polar, at codon 1409 of the ALPK3 protein (p.Thr1409Pro). This variant is present in population databases (rs375198700, gnomAD 0.03%). This variant has not been reported in the literature in individuals affected with ALPK3-related conditions. ClinVar contains an entry for this variant (Variation ID: 1738853). Invitae Evidence Modeling of protein sequence and biophysical properties (such as structural, functional, and spatial information, amino acid conservation, physicochemical variation, residue mobility, and thermodynamic stability) indicates that this missense variant is not expected to disrupt ALPK3 protein function with a negative predictive value of 80%. In summary, the available evidence is currently insufficient to determine the role of this variant in disease. Therefore, it has been classified as a Variant of Uncertain Significance.

Molecular Diagnostic Laboratory for Inherited Cardiovascular Disease, Montreal Heart Institute
Classification: Uncertain significance for Cardiovascular phenotype. Last evaluated: 2025-04-09. Review status: criteria provided, single submitter. Criteria: ACMG Guidelines, 2015. Collection method: clinical testing. Allele origin: germline. Affected: yes.

NM_020778.5(ALPK3):c.3619A>C (p.Thr1207Pro)

Gene: ALPK3 (alpha kinase 3; plus strand). Cytogenetic location: 15q25.3.
Variant type: single nucleotide variant.
Coding change: c.3619A>C on transcript NM_020778.5 (MANE Select); coding-DNA position 3619, A replaced by C.
Protein change: p.Thr1207Pro; replaces threonine 1207 with proline.
Molecular consequence: missense variant.
Genome position (GRCh38, 1-based): chr15:84,858,357, A>C. VCF-style: chr15-84858357-A-C. GRCh37 (hg19) VCF-style: chr15-85401588-A-C.
Other names: short protein forms T1207P.
Identifiers: ClinVar variation 1738853 (VCV001738853.10), dbSNP rs375198700, ClinGen allele CA273625755.